The following is an entry in ClinVar:

ClinVar aggregate classification (germline): Conflicting classifications of pathogenicity. Review status: criteria provided, conflicting classifications (1 of 4 stars). 2 submissions from 2 submitters: Uncertain significance (1); Likely benign (1). Last evaluated 2025-05-06.

Conditions:
Hereditary cancer-predisposing syndrome. Also called: Tumor predisposition; Hereditary Cancer Syndrome; Hereditary neoplastic syndrome; Neoplastic Syndromes, Hereditary. Identifiers: Orphanet 140162, MedGen C0027672, MeSH D009386, MONDO:0015356.
Familial adenomatous polyposis 2. Also called: FAP type 2; MUTYH Polyposis; COLORECTAL ADENOMATOUS POLYPOSIS, AUTOSOMAL RECESSIVE; ADENOMAS, MULTIPLE COLORECTAL, AUTOSOMAL RECESSIVE; MUTYH-associated polyposis; MUTYH-related attenuated familial adenomatous polyposis. Identifiers: Orphanet 220460, Orphanet 247798, MedGen C3272841, MONDO:0012041, OMIM 608456.

Submissions (2):

Labcorp Genetics (formerly Invitae), Labcorp
Classification: Uncertain significance for Familial adenomatous polyposis 2. Last evaluated: 2025-05-06. Review status: criteria provided, single submitter. Criteria: Invitae Variant Classification Sherloc (09022015). Collection method: clinical testing. Allele origin: germline.
Comment: This sequence change replaces glycine, which is neutral and non-polar, with arginine, which is basic and polar, at codon 98 of the MUTYH protein (p.Gly98Arg). This variant is not present in population databases (gnomAD no frequency). This variant has not been reported in the literature in individuals affected with MUTYH-related conditions. ClinVar contains an entry for this variant (Variation ID: 822280). An algorithm developed to predict the effect of missense changes on protein structure and function outputs the following: PolyPhen-2: "Benign". The arginine amino acid residue is found in multiple mammalian species, which suggests that this missense change does not adversely affect protein function. In summary, the available evidence is currently insufficient to determine the role of this variant in disease. Therefore, it has been classified as a Variant of Uncertain Significance.

Ambry Genetics
Classification: Likely benign for Hereditary cancer-predisposing syndrome. Last evaluated: 2019-11-12. Review status: criteria provided, single submitter. Criteria: Ambry Variant Classification Scheme 2023. Collection method: clinical testing. Allele origin: germline.

NM_001048174.2(MUTYH):c.208G>C (p.Gly70Arg)

Gene: MUTYH (mutY DNA glycosylase; minus strand). Cytogenetic location: 1p34.1.
Variant type: single nucleotide variant.
Coding change: c.208G>C on transcript NM_001048174.2 (MANE Select); coding-DNA position 208, G replaced by C.
Protein change: p.Gly70Arg; replaces glycine 70 with arginine.
Molecular consequence: missense variant. On other transcripts: 5 prime UTR variant (4), non-coding transcript variant (2).
Genome position (GRCh38, 1-based): chr1:45,333,469, C>G on the plus strand (G>C on the coding strand, the complement: MUTYH is on the minus strand). VCF-style: chr1-45333469-C-G. GRCh37 (hg19) VCF-style: chr1-45799141-C-G.
Other names: c.208G>C, p.Gly70Arg (NM_001048171.2, NM_001048173.2, NM_001293195.2); c.211G>C, p.Gly71Arg (NM_001048172.2); c.292G>C, p.Gly98Arg (NM_001128425.2); c.253G>C, p.Gly85Arg (NM_001293190.2); c.241G>C, p.Gly81Arg (NM_001293191.2); c.-69G>C (NM_001293192.2, NM_001293196.2); c.-64G>C (NM_001350650.2, NM_001350651.2); c.283G>C, p.Gly95Arg (NM_012222.3); short protein forms G71R, G70R, G95R, G98R, G81R, G85R.
Identifiers: ClinVar variation 822280 (VCV000822280.13), dbSNP rs1570443086, ClinGen allele CA340136440.